The following is an entry in ClinVar:

NM_000260.4(MYO7A):c.5925A>T (p.Lys1975Asn)

Gene: MYO7A (myosin VIIA; plus strand). Cytogenetic location: 11q13.5.
Variant type: single nucleotide variant.
Coding change: c.5925A>T on transcript NM_000260.4 (MANE Select); coding-DNA position 5925, A replaced by T.
Protein change: p.Lys1975Asn; replaces lysine 1975 with asparagine.
Molecular consequence: missense variant.
Genome position (GRCh38, 1-based): chr11:77,208,498, A>T. VCF-style: chr11-77208498-A-T. GRCh37 (hg19) VCF-style: chr11-76919543-A-T.
Other names: c.5811A>T, p.Lys1937Asn (NM_001127180.2); c.5778A>T, p.Lys1926Asn (NM_001369365.1); short protein forms K1926N, K1937N, K1975N.
Identifiers: ClinVar variation 4800490 (VCV004800490.2).

ClinVar aggregate classification (germline): Uncertain significance. Review status: criteria provided, multiple submitters, no conflicts (2 of 4 stars). 2 submissions from 2 submitters: Uncertain significance (2). Last evaluated 2025-04-11.

Submissions (2):

Labcorp Genetics (formerly Invitae), Labcorp
Classification: Uncertain significance. Last evaluated: 2025-04-11. Review status: criteria provided, single submitter. Criteria: Invitae Variant Classification Sherloc (09022015). Collection method: clinical testing. Allele origin: germline.
Comment: This sequence change replaces lysine, which is basic and polar, with asparagine, which is neutral and polar, at codon 1975 of the MYO7A protein (p.Lys1975Asn). This variant is present in population databases (rs371931273, gnomAD 0.0009%). This variant has not been reported in the literature in individuals affected with MYO7A-related conditions. Invitae Evidence Modeling of protein sequence and biophysical properties (such as structural, functional, and spatial information, amino acid conservation, physicochemical variation, residue mobility, and thermodynamic stability) has been performed for this missense variant. However, the output from this modeling did not meet the statistical confidence thresholds required to predict the impact of this variant on MYO7A protein function. In summary, the available evidence is currently insufficient to determine the role of this variant in disease. Therefore, it has been classified as a Variant of Uncertain Significance.

Blueprint Genetics
Classification: Uncertain significance. Last evaluated: 2024-10-07. Review status: criteria provided, single submitter. Criteria: ACMG Guidelines, 2015. Collection method: clinical testing. Allele origin: germline.